The following is an entry in ClinVar:

Conditions:
Arteriohepatic dysplasia. Also called: Alagille Syndrome. Identifiers: Orphanet 52, MedGen C0085280, MeSH D016738, MONDO:0007318.

Submission:

Gilbert/Spinner Lab, Children's Hospital of Philadelphia
No classification provided (evidence only). Condition: Alagille syndrome. Review status: no classification provided. Collection method: research. Allele origin: not applicable. Functional consequence: functionally_abnormal.
ClinVar note: "not provided" was previously submitted as the classification for the variant. However, the classification appeared to be based only on an observation of functional data so it was converted to no classification on 2025-07-30.

NM_000214.3(JAG1):c.794G>C (p.Cys265Ser)

Gene: JAG1 (jagged canonical Notch ligand 1; minus strand). Cytogenetic location: 20p12.2.
Variant type: single nucleotide variant.
Coding change: c.794G>C on transcript NM_000214.3 (MANE Select); coding-DNA position 794, G replaced by C.
Protein change: p.Cys265Ser; replaces cysteine 265 with serine.
Molecular consequence: missense variant.
Genome position (GRCh38, 1-based): chr20:10,652,560, C>G on the plus strand (G>C on the coding strand, the complement: JAG1 is on the minus strand). VCF-style: chr20-10652560-C-G. GRCh37 (hg19) VCF-style: chr20-10633208-C-G.
Other names: short protein forms C265S.
Identifiers: ClinVar variation 3573101 (VCV003573101.2).